The following is an entry in ClinVar:

ClinVar aggregate classification (germline): Uncertain significance. Review status: criteria provided, multiple submitters, no conflicts (2 of 4 stars). 7 submissions from 7 submitters: Uncertain significance (6). 1 of the submissions does not count toward it. Last evaluated 2025-03-26.

Conditions:
Hereditary breast ovarian cancer syndrome. Also called: Hereditary breast and ovarian cancer syndrome (HBOC); BRCA1- and BRCA2-Associated Hereditary Breast and Ovarian Cancer; Hereditary breast and/or ovarian cancer syndrome; Hereditary breast and ovarian cancer syndrome; Hereditary breast and ovarian cancer; Breast and ovarian cancer. Identifiers: Orphanet 145, MedGen C0677776, MeSH D061325, MONDO:0003582. Disease mechanism: loss of function.
Hereditary cancer-predisposing syndrome. Also called: Neoplastic Syndromes, Hereditary; Hereditary neoplastic syndrome; Tumor predisposition; Hereditary Cancer Syndrome. Identifiers: Orphanet 140162, MedGen C0027672, MeSH D009386, MONDO:0015356.
Breast-ovarian cancer, familial, susceptibility to, 1 (BROVCA1). Also called: BRCA1 Hereditary Breast and Ovarian Cancer; OVARIAN CANCER, SUSCEPTIBILITY TO. Identifiers: Orphanet 145, MedGen C2676676, MONDO:0011450, OMIM 604370. Disease mechanism: loss of function.

Allele frequency attached by ClinVar (database versions not stated): gnomAD exomes 0.00001.
gnomAD v4.1: 8 of 1,614,178 alleles (0.0005%); highest among the groups gnomAD compares: South Asian, 0.0033%; no homozygotes.

Submissions (7):

Ambry Genetics
Classification: Uncertain significance for Hereditary cancer-predisposing syndrome. Last evaluated: 2025-03-26. Review status: criteria provided, single submitter. Criteria: Ambry Variant Classification Scheme 2023. Collection method: clinical testing. Allele origin: germline.
Comment: The p.D1533Y variant (also known as c.4597G>T), located in coding exon 13 of the BRCA1 gene, results from a G to T substitution at nucleotide position 4597. The aspartic acid at codon 1533 is replaced by tyrosine, an amino acid with highly dissimilar properties. This amino acid position is not well conserved in available vertebrate species. In addition, the in silico prediction for this alteration is inconclusive. Based on the available evidence, the clinical significance of this variant remains unclear.

Quest Diagnostics Nichols Institute San Juan Capistrano
Classification: Uncertain significance. Last evaluated: 2024-11-17. Review status: criteria provided, single submitter. Criteria: Quest Diagnostics criteria. Collection method: clinical testing. Allele origin: unknown.
Comment: The BRCA1 c.4597G>T (p.Asp1533Tyr) variant has not been reported in individuals with BRCA1-related conditions in the published literature. It also has not been reported in large, multi-ethnic general populations (Genome Aggregation Database). Analysis of this variant using bioinformatics tools for the prediction of the effect of amino acid changes on protein structure and function yielded predictions that this variant is benign. Based on the available information, we are unable to determine the clinical significance of this variant.

GeneDx
Classification: Uncertain significance. Last evaluated: 2024-07-12. Review status: criteria provided, single submitter. Criteria: GeneDx Variant Classification Process June 2021. Collection method: clinical testing. Allele origin: germline. Affected: yes.
Comment: Identified in individual(s) referred for BRCA1/2 testing (PMID: 20858050); Not observed at significant frequency in large population cohorts (gnomAD); In silico analysis supports that this missense variant has a deleterious effect on protein structure/function; Also known as 4716G>T; This variant is associated with the following publications: (PMID: 25348012, 29884841, 9974970, 11301010, 32377563, 20858050)

Labcorp Genetics (formerly Invitae), Labcorp
Classification: Uncertain significance for Hereditary breast ovarian cancer syndrome. Last evaluated: 2024-07-03. Review status: criteria provided, single submitter. Criteria: Invitae Variant Classification Sherloc (09022015). Collection method: clinical testing. Allele origin: germline.
Comment: This sequence change replaces aspartic acid, which is acidic and polar, with tyrosine, which is neutral and polar, at codon 1533 of the BRCA1 protein (p.Asp1533Tyr). This variant is not present in population databases (gnomAD no frequency). This variant has not been reported in the literature in individuals affected with BRCA1-related conditions. ClinVar contains an entry for this variant (Variation ID: 441437). Advanced modeling of protein sequence and biophysical properties (such as structural, functional, and spatial information, amino acid conservation, physicochemical variation, residue mobility, and thermodynamic stability) performed at Invitae indicates that this missense variant is not expected to disrupt BRCA1 protein function with a negative predictive value of 95%. In summary, the available evidence is currently insufficient to determine the role of this variant in disease. Therefore, it has been classified as a Variant of Uncertain Significance.

All of Us Research Program, National Institutes of Health
Classification: Uncertain significance for Breast-ovarian cancer, familial, susceptibility to, 1. Last evaluated: 2023-11-30. Review status: criteria provided, single submitter. Criteria: ACMG Guidelines, 2015. Collection method: clinical testing. Allele origin: germline. Inheritance: Autosomal dominant inheritance. Observed: 1 variant allele, 1 heterozygote.
Comment: This study involves interpretation of variants in research participants for the purpose of population health screening. Participant phenotype was not available at the time of variant classification. Additional details can be found in publication PMID: 35346344, PMCID: PMC8962531

Sema4
Classification: Uncertain significance for Hereditary cancer-predisposing syndrome. Last evaluated: 2021-12-21. Review status: criteria provided, single submitter. Criteria: Sema4 Curation Guidelines. Collection method: curation. Allele origin: germline.
Comment: The BRCA1 c.4597G>T (p.D1533Y) variant has been reported in heterozygosity in at least one individual undergoing genetic testing for BRCA1/2 (PMID: 20858050). It was not observed in the large and broad cohorts of the Genome Aggregation Database. The variant has been reported in ClinVar (Variation ID 441437). Functional studies have not been performed, and in silico predictions of the variant's effect on protein function are inconclusive. The evidence is insufficient to meet ACMG/AMP criteria for classifying the variant as benign or pathogenic. Thus, the clinical significance of this variant is currently uncertain.

BRCAlab, Lund University
Classification: Uncertain significance for Breast-ovarian cancer, familial, susceptibility to, 1. Last evaluated: 2020-03-02. Review status: no assertion criteria provided. Collection method: clinical testing. Allele origin: germline. Affected: yes. Not counted in ClinVar's aggregate classification.

Literature cited by the submitters: PubMed 20858050 (cited by 3 submitters); PubMed 25348012 (cited by Ambry Genetics and Quest Diagnostics Nichols Institute San Juan Capistrano); PubMed 29884841 (cited by Quest Diagnostics Nichols Institute San Juan Capistrano); PubMed 32377563 (cited by Quest Diagnostics Nichols Institute San Juan Capistrano); PubMed 33087888 (cited by Quest Diagnostics Nichols Institute San Juan Capistrano).

NM_007294.4(BRCA1):c.4597G>T (p.Asp1533Tyr)

Gene: BRCA1 (BRCA1 DNA repair associated; minus strand). Cytogenetic location: 17q21.31.
Variant type: single nucleotide variant.
Coding change: c.4597G>T on transcript NM_007294.4 (MANE Select); coding-DNA position 4597, G replaced by T.
Protein change: p.Asp1533Tyr; replaces aspartic acid 1533 with tyrosine.
Molecular consequence: missense variant. On other transcripts: non-coding transcript variant (1).
Genome position (GRCh38, 1-based): chr17:43,074,409, C>A on the plus strand (G>T on the coding strand, the complement: BRCA1 is on the minus strand). VCF-style: chr17-43074409-C-A. GRCh37 (hg19) VCF-style: chr17-41226426-C-A.
Other names: c.4384G>T, p.Asp1462Tyr (NM_001407571.1, NM_001407894.1, NM_001407895.1 and 12 more transcripts); c.4663G>T, p.Asp1555Tyr (NM_001407581.1, NM_001407582.1); c.4660G>T, p.Asp1554Tyr (NM_001407583.1, NM_001407585.1, NM_001407587.1 and 1 more transcripts); c.4657G>T, p.Asp1553Tyr (NM_001407590.1, NM_001407591.1); c.4597G>T, p.Asp1533Tyr (NM_001407593.1, NM_001407594.1, NM_001407596.1 and 8 more transcripts); c.4594G>T, p.Asp1532Tyr (NM_001407610.1, NM_001407611.1, NM_001407612.1 and 17 more transcripts); c.4591G>T, p.Asp1531Tyr (NM_001407627.1, NM_001407628.1, NM_001407629.1 and 14 more transcripts); c.4588G>T, p.Asp1530Tyr (NM_001407644.1, NM_001407645.1); and 68 more; short protein forms D1533Y, D1554Y, D429Y, D1486Y, D1404Y, D1421Y, D1444Y, D1485Y.
Identifiers: ClinVar variation 441437 (VCV000441437.30), dbSNP rs899108857, ClinGen allele CA10592319.